The following is an entry in ClinVar:

ClinVar aggregate classification (germline): Uncertain significance (1 of 4 stars; one submission).

gnomAD v4.1: 9 of 1,530,144 alleles (0.00059%); highest among the groups gnomAD compares: Middle Eastern, 0.019%; no homozygotes.

Submission:

Labcorp Genetics (formerly Invitae), Labcorp
Classification: Uncertain significance. Last evaluated: 2025-09-28. Review status: criteria provided, single submitter. Criteria: Invitae Variant Classification Sherloc (09022015). Collection method: clinical testing. Allele origin: germline.
Comment: This sequence change replaces glycine, which is neutral and non-polar, with valine, which is neutral and non-polar, at codon 15 of the SIX5 protein (p.Gly15Val). This variant is not present in population databases (gnomAD no frequency). This variant has not been reported in the literature in individuals affected with SIX5-related conditions. Experimental studies and prediction algorithms are not available or were not evaluated, and the functional significance of this variant is currently unknown. In summary, the available evidence is currently insufficient to determine the role of this variant in disease. Therefore, it has been classified as a Variant of Uncertain Significance.

NM_175875.5(SIX5):c.44G>T (p.Gly15Val)

Genes: SIX5 (SIX homeobox 5; minus strand), DM1-AS (DM1 locus antisense RNA; plus strand), LOC107075317 (origin of replication in DMPK trinucleotide repeat region; plus strand). Cytogenetic location: 19q13.32.
Variant type: single nucleotide variant.
Coding change: c.44G>T on transcript NM_175875.5 (MANE Select); coding-DNA position 44, G replaced by T.
Protein change: p.Gly15Val; replaces glycine 15 with valine.
Molecular consequence: missense variant.
Genome position (GRCh38, 1-based): chr19:45,768,801, C>A on the plus strand (G>T on the coding strand, the complement: SIX5 is on the minus strand). VCF-style: chr19-45768801-C-A. GRCh37 (hg19) VCF-style: chr19-46272059-C-A.
Other names: short protein forms G15V.
Identifiers: ClinVar variation 4695856 (VCV004695856.1).